The following is an entry in ClinVar:

ClinVar aggregate classification (germline): Uncertain significance (1 of 4 stars; one submission).

Conditions:
Congenital disorder of deglycosylation (CDDG). Identifiers: MedGen C3808991, MONDO:0031376.

Allele frequency attached by ClinVar (database versions not stated): gnomAD exomes below 0.00001; gnomAD 0.00001.
gnomAD v4.1: 3 of 1,605,270 alleles (0.00019%); highest among the groups gnomAD compares: Non-Finnish European, 0.00025%; no homozygotes.

Submission:

Labcorp Genetics (formerly Invitae), Labcorp
Classification: Uncertain significance for Congenital disorder of deglycosylation. Last evaluated: 2025-09-02. Review status: criteria provided, single submitter. Criteria: Invitae Variant Classification Sherloc (09022015). Collection method: clinical testing. Allele origin: germline.
Comment: This sequence change replaces glutamic acid, which is acidic and polar, with aspartic acid, which is acidic and polar, at codon 26 of the NGLY1 protein (p.Glu26Asp). This variant is not present in population databases (gnomAD no frequency). This variant has not been reported in the literature in individuals affected with NGLY1-related conditions. ClinVar contains an entry for this variant (Variation ID: 2000530). Invitae Evidence Modeling of protein sequence and biophysical properties (such as structural, functional, and spatial information, amino acid conservation, physicochemical variation, residue mobility, and thermodynamic stability) indicates that this missense variant is not expected to disrupt NGLY1 protein function with a negative predictive value of 80%. In summary, the available evidence is currently insufficient to determine the role of this variant in disease. Therefore, it has been classified as a Variant of Uncertain Significance.

NM_018297.4(NGLY1):c.78G>C (p.Glu26Asp)

Gene: NGLY1 (N-glycanase 1; minus strand). Cytogenetic location: 3p24.2.
Variant type: single nucleotide variant.
Coding change: c.78G>C on transcript NM_018297.4 (MANE Select); coding-DNA position 78, G replaced by C.
Protein change: p.Glu26Asp; replaces glutamic acid 26 with aspartic acid.
Molecular consequence: missense variant. On other transcripts: intron variant (1).
Genome position (GRCh38, 1-based): chr3:25,783,313, C>G on the plus strand (G>C on the coding strand, the complement: NGLY1 is on the minus strand). VCF-style: chr3-25783313-C-G. GRCh37 (hg19) VCF-style: chr3-25824804-C-G.
Other names: c.78G>C, p.Glu26Asp (NM_001145293.2, NM_001145295.2); c.6-4625G>C (NM_001145294.2); short protein forms E26D.
Identifiers: ClinVar variation 2000530 (VCV002000530.2), dbSNP rs1708507052, ClinGen allele CA351911288.